The following is an entry in ClinVar:

ClinVar aggregate classification (germline): Uncertain significance (1 of 4 stars; one submission).

Allele frequency attached by ClinVar (database versions not stated): gnomAD exomes below 0.00001.
gnomAD v4.1: 2 of 1,614,162 alleles (0.00012%); highest among the groups gnomAD compares: East Asian, 0.0022%; no homozygotes.

Submission:

Labcorp Genetics (formerly Invitae), Labcorp
Classification: Uncertain significance. Last evaluated: 2023-10-30. Review status: criteria provided, single submitter. Criteria: Invitae Variant Classification Sherloc (09022015). Collection method: clinical testing. Allele origin: germline.
Comment: This sequence change replaces isoleucine, which is neutral and non-polar, with valine, which is neutral and non-polar, at codon 267 of the MS4A1 protein (p.Ile267Val). This variant is not present in population databases (gnomAD no frequency). This variant has not been reported in the literature in individuals affected with MS4A1-related conditions. Algorithms developed to predict the effect of missense changes on protein structure and function output the following: SIFT: "Not Available"; PolyPhen-2: "Benign"; Align-GVGD: "Not Available". The valine amino acid residue is found in multiple mammalian species, which suggests that this missense change does not adversely affect protein function. In summary, the available evidence is currently insufficient to determine the role of this variant in disease. Therefore, it has been classified as a Variant of Uncertain Significance.

NM_152866.3(MS4A1):c.799A>G (p.Ile267Val)

Gene: MS4A1 (membrane spanning 4-domains A1; plus strand). Cytogenetic location: 11q12.2.
Variant type: single nucleotide variant.
Coding change: c.799A>G on transcript NM_152866.3 (MANE Select); coding-DNA position 799, A replaced by G.
Protein change: p.Ile267Val; replaces isoleucine 267 with valine.
Molecular consequence: missense variant.
Genome position (GRCh38, 1-based): chr11:60,468,373, A>G. VCF-style: chr11-60468373-A-G. GRCh37 (hg19) VCF-style: chr11-60235846-A-G.
Other names: c.799A>G, p.Ile267Val (NM_021950.4, NM_152867.2); short protein forms I267V.
Identifiers: ClinVar variation 3016081 (VCV003016081.3), dbSNP rs2495418842, ClinGen allele CA380601050.